The following is an entry in ClinVar:

ClinVar aggregate classification (germline): Uncertain significance (1 of 4 stars; one submission).

Allele frequency attached by ClinVar (database versions not stated): gnomAD exomes below 0.00001.
gnomAD v4.1: 2 of 1,614,032 alleles (0.00012%); highest among the groups gnomAD compares: Non-Finnish European, 0.00017%; no homozygotes.

Submission:

Labcorp Genetics (formerly Invitae), Labcorp
Classification: Uncertain significance. Last evaluated: 2022-10-13. Review status: criteria provided, single submitter. Criteria: Invitae Variant Classification Sherloc (09022015). Collection method: clinical testing. Allele origin: germline.
Comment: This sequence change affects codon 128 of the C1QC mRNA. It is a 'silent' change, meaning that it does not change the encoded amino acid sequence of the C1QC protein. This variant is not present in population databases (gnomAD no frequency). This variant has not been reported in the literature in individuals affected with C1QC-related conditions. Algorithms developed to predict the effect of sequence changes on RNA splicing suggest that this variant may create or strengthen a splice site. In summary, the available evidence is currently insufficient to determine the role of this variant in disease. Therefore, it has been classified as a Variant of Uncertain Significance.

NM_172369.5(C1QC):c.384C>T (p.Thr128=)

Gene: C1QC (complement C1q C chain; plus strand). Cytogenetic location: 1p36.12.
Variant type: single nucleotide variant.
Coding change: c.384C>T on transcript NM_172369.5 (MANE Select); coding-DNA position 384, C replaced by T.
Protein change: p.Thr128=; no amino-acid change (threonine 128 retained).
Molecular consequence: synonymous variant.
Genome position (GRCh38, 1-based): chr1:22,647,429, C>T. VCF-style: chr1-22647429-C-T. GRCh37 (hg19) VCF-style: chr1-22973922-C-T.
Other names: c.384C>T, p.Thr128= (NM_001114101.3, NM_001347619.2); c.117C>T, p.Thr39= (NM_001347620.2).
Identifiers: ClinVar variation 1954821 (VCV001954821.5), dbSNP rs2522225388, ClinGen allele CA416684342.